The following is an entry in ClinVar:

ClinVar aggregate classification (germline): Uncertain significance (1 of 4 stars; one submission).

Submission:

Labcorp Genetics (formerly Invitae), Labcorp
Classification: Uncertain significance. Last evaluated: 2022-03-15. Review status: criteria provided, single submitter. Criteria: Invitae Variant Classification Sherloc (09022015). Collection method: clinical testing. Allele origin: germline.
Comment: In summary, the available evidence is currently insufficient to determine the role of this variant in disease. Therefore, it has been classified as a Variant of Uncertain Significance. Algorithms developed to predict the effect of sequence changes on RNA splicing suggest that this variant may create or strengthen a splice site. This variant has not been reported in the literature in individuals affected with ANK1-related conditions. This variant is not present in population databases (gnomAD no frequency). This sequence change falls in intron 41 of the ANK1 gene. It does not directly change the encoded amino acid sequence of the ANK1 protein.

NM_000037.4(ANK1):c.5544+11del

Gene: ANK1 (ankyrin 1; minus strand). Cytogenetic location: 8p11.21.
Variant type: Deletion.
Coding change: c.5544+11del on transcript NM_000037.4 (MANE Select); 11 bases into the intron after coding-DNA position 5544, one base deleted (A; older notation c.5544+11delA).
Molecular consequence: intron variant. On other transcripts: frameshift variant (3).
Genome position (GRCh38, 1-based): chr8:41,661,865, T deleted on the plus strand (A on the coding strand, the reverse complement: ANK1 is on the minus strand). VCF-style (leftmost placement, unchanged base first): chr8-41661864-CT-C. GRCh37 (hg19) VCF-style: chr8-41519382-CT-C.
Other names: c.380del, p.Glu127fs (NM_001142445.2); c.5555del, p.Glu1852fs (NM_020476.3); c.5069del, p.Glu1690fs (NM_020477.3); c.5667+11del (NM_001142446.2); c.5544+11del (NM_020475.3); c.303+1794del (NM_020480.5); c.369+11del (NM_020478.5); short protein forms E127fs, E1852fs, E1690fs.
Identifiers: ClinVar variation 2110298 (VCV002110298.4), dbSNP rs2487537684, ClinGen allele CA2580078283.